The following is an entry in ClinVar:

ClinVar aggregate classification (germline): Pathogenic/Likely pathogenic. Review status: criteria provided, multiple submitters, no conflicts (2 of 4 stars). 3 submissions from 3 submitters: Pathogenic (2); Likely pathogenic (1). Last evaluated 2024-05-08.

Conditions:
ABCC2-related disorder. Also called: ABCC2-related condition.

Allele frequency attached by ClinVar (database versions not stated): TOPMed below 0.00001; ExAC 0.00001; gnomAD 0.00001; gnomAD exomes 0.00002 and 0.00005.

Submissions (3):

Blueprint Genetics
Classification: Likely pathogenic for ABCC2-related disorders. Last evaluated: 2024-05-08. Review status: criteria provided, single submitter. Criteria: ACMG Guidelines, 2015. Collection method: clinical testing. Allele origin: germline. Affected: yes. Observed: 3 variant alleles.

Labcorp Genetics (formerly Invitae), Labcorp
Classification: Pathogenic. Last evaluated: 2023-09-19. Review status: criteria provided, single submitter. Criteria: Invitae Variant Classification Sherloc (09022015). Collection method: clinical testing. Allele origin: germline.
Comment: This sequence change creates a premature translational stop signal (p.Leu809Argfs*2) in the ABCC2 gene. It is expected to result in an absent or disrupted protein product. Loss-of-function variants in ABCC2 are known to be pathogenic (PMID: 9185779, 16549534, 16952291). The frequency data for this variant in the population databases is considered unreliable, as metrics indicate poor data quality at this position in the gnomAD database. This variant has not been reported in the literature in individuals affected with ABCC2-related conditions. ClinVar contains an entry for this variant (Variation ID: 501522). For these reasons, this variant has been classified as Pathogenic.

Eurofins Ntd Llc (ga)
Classification: Pathogenic. Last evaluated: 2017-04-24. Review status: criteria provided, single submitter. Criteria: EGL Classification Definitions 2015. Collection method: clinical testing. Allele origin: germline. Observed: 1 variant allele, 1 heterozygote.

Literature cited by the submitters: PubMed 9185779 (cited by Labcorp Genetics (formerly Invitae), Labcorp); PubMed 16549534 (cited by Labcorp Genetics (formerly Invitae), Labcorp); PubMed 16952291 (cited by Labcorp Genetics (formerly Invitae), Labcorp).

NM_000392.5(ABCC2):c.2426del (p.Leu809fs)

Gene: ABCC2 (ATP binding cassette subfamily C member 2; plus strand). Cytogenetic location: 10q24.2.
Variant type: Deletion.
Coding change: c.2426del on transcript NM_000392.5 (MANE Select); coding-DNA position 2426, one base deleted (T; older notation c.2426delT).
Protein change: p.Leu809fs; shifts the reading frame from leucine 809.
Molecular consequence: frameshift variant.
Genome position (GRCh38, 1-based): chr10:99,818,944, T deleted. VCF-style (leftmost placement, unchanged base first): chr10-99818943-CT-C. GRCh37 (hg19) VCF-style: chr10-101578700-CT-C.
Other names: c.2426del, p.Leu809fs (LRG_1208t1); short protein forms L809fs.
Identifiers: ClinVar variation 501522 (VCV000501522.11), dbSNP rs765580991, ClinGen allele CA5643473.